The following is an entry in ClinVar:

NM_000352.6(ABCC8):c.2657T>G (p.Val886Gly)

Gene: ABCC8 (ATP binding cassette subfamily C member 8; minus strand). Cytogenetic location: 11p15.1.
Variant type: single nucleotide variant.
Coding change: c.2657T>G on transcript NM_000352.6 (MANE Select); coding-DNA position 2657, T replaced by G.
Protein change: p.Val886Gly; replaces valine 886 with glycine.
Molecular consequence: missense variant. On other transcripts: non-coding transcript variant (1).
Genome position (GRCh38, 1-based): chr11:17,410,553, A>C on the plus strand (T>G on the coding strand, the complement: ABCC8 is on the minus strand). VCF-style: chr11-17410553-A-C. GRCh37 (hg19) VCF-style: chr11-17432100-A-C.
Other names: c.2660T>G, p.Val887Gly (NM_001287174.3); c.2723T>G, p.Val908Gly (NM_001351295.2); c.2657T>G, p.Val886Gly (NM_001351296.2); c.2654T>G, p.Val885Gly (NM_001351297.2); short protein forms V885G, V886G, V887G, V908G.
Identifiers: ClinVar variation 5018643 (VCV005018643.1).
Genomic context (GRCh38, chr11:17,410,553, plus strand): 5'-CTGACCCCCTTGTTCCCCCTCACCCAGTCTGCATGGGGCAGGTACTGTAGCTTGTGGGTC[A>C]CTAAGACCACTGTCCTCTTGTCGTCCCGGAGCAGCTCAAGGATGCCGGCCTGCATTAAGT-3'
Protein context (NP_000343.2, residues 876-896): LRDDKRTVVL[Val886Gly]THKLQYLPHA

ClinVar aggregate classification (germline): Uncertain significance (1 of 4 stars; one submission).

Conditions:
Type 2 diabetes mellitus. Also called: Type II diabetes mellitus. Identifiers: MedGen C0011860, MeSH D003924, MONDO:0005148, OMIM 125853, HP:0005978.
Diabetes mellitus, permanent neonatal 3. Also called: ABCC8-Related Permanent Neonatal Diabetes Mellitus. Identifiers: MedGen C5394303, MONDO:0030088, OMIM 618857.
Diabetes mellitus, transient neonatal, 2 (TNDM2). Identifiers: Orphanet 99886, MedGen C1835887, MONDO:0012480, OMIM 610374. Disease mechanism: loss of function.
Maturity-onset diabetes of the young, type 12. Identifiers: MedGen C6012723, MONDO:0978299, OMIM 621196.
Hyperinsulinemic hypoglycemia, familial, 1 (HHF1). Also called: HYPERINSULINISM, FAMILIAL, WITH PANCREATIC NESIDIOBLASTOSIS; HYPOGLYCEMIA, HYPERINSULINEMIC, OF INFANCY; NESIDIOBLASTOSIS OF PANCREAS; Persistent Hyperinsulinemia Hypoglycemia of Infancy; Persistent hyperinsulinemic hypoglycemia of infancy. Identifiers: Orphanet 276575, Orphanet 276598, MedGen C2931832, MONDO:0009734, OMIM 256450.
Leucine-induced hypoglycemia (LIH). Also called: LEUCINE-SENSITIVE HYPOGLYCEMIA OF INFANCY. Identifiers: MedGen C0271714, MONDO:0009415, OMIM 240800.

Submission:

Juno Genomics, Hangzhou Juno Genomics, Inc
Classification: Uncertain significance for Diabetes mellitus, permanent neonatal 3; Maturity-onset diabetes of the young, type 12; Type 2 diabetes mellitus; Diabetes mellitus, transient neonatal, 2; Hyperinsulinemic hypoglycemia, familial, 1; Leucine-induced hypoglycemia. Review status: criteria provided, single submitter. Criteria: ACMG Guidelines, 2015. Collection method: clinical testing. Allele origin: germline. Affected: yes.
Comment: Absent from controls (or at extremely low frequency if recessive) in Genome Aggregation Database.;Multiple lines of computational evidence support a deleterious effect on the gene or gene product.